The following is an entry in ClinVar:

NM_001378778.1(MPDZ):c.214A>G (p.Ile72Val)

Gene: MPDZ (multiple PDZ domain crumbs cell polarity complex component; minus strand). Cytogenetic location: 9p23.
Variant type: single nucleotide variant.
Coding change: c.214A>G on transcript NM_001378778.1 (MANE Select); coding-DNA position 214, A replaced by G.
Protein change: p.Ile72Val; replaces isoleucine 72 with valine.
Molecular consequence: missense variant.
Genome position (GRCh38, 1-based): chr9:13,224,553, T>C on the plus strand (A>G on the coding strand, the complement: MPDZ is on the minus strand). VCF-style: chr9-13224553-T-C. GRCh37 (hg19) VCF-style: chr9-13224552-T-C.
Other names: c.214A>G, p.Ile72Val (NM_001261406.2, NM_001261407.2, NM_001330637.2 and 14 more transcripts); c.214A>G (NM_003829.3); short protein forms I72V.
Identifiers: ClinVar variation 1055533 (VCV001055533.9), dbSNP rs376069377, ClinGen allele CA189326855.

ClinVar aggregate classification (germline): Conflicting classifications of pathogenicity. Review status: criteria provided, conflicting classifications (1 of 4 stars). 2 submissions from 2 submitters: Uncertain significance (1); Likely benign (1). Last evaluated 2025-07-15.

Conditions:
Inborn genetic diseases. Identifiers: MedGen C0950123, MeSH D030342.

Allele frequency attached by ClinVar (database versions not stated): gnomAD 0.00001 and 0.00002; gnomAD exomes 0.00002 and 0.00004; TOPMed 0.00003; ESP Exome Variant Server 0.00008.
gnomAD v4.1: 57 of 1,610,888 alleles (0.0035%); highest among the groups gnomAD compares: Non-Finnish European, 0.0048%; no homozygotes.

Submissions (2):

Ambry Genetics
Classification: Likely benign for Inborn genetic diseases. Last evaluated: 2025-07-15. Review status: criteria provided, single submitter. Criteria: Ambry Variant Classification Scheme 2023. Collection method: clinical testing. Allele origin: germline.

Labcorp Genetics (formerly Invitae), Labcorp
Classification: Uncertain significance. Last evaluated: 2025-01-06. Review status: criteria provided, single submitter. Criteria: Invitae Variant Classification Sherloc (09022015). Collection method: clinical testing. Allele origin: germline.
Comment: This sequence change replaces isoleucine, which is neutral and non-polar, with valine, which is neutral and non-polar, at codon 72 of the MPDZ protein (p.Ile72Val). This variant is present in population databases (rs376069377, gnomAD 0.005%). This variant has not been reported in the literature in individuals affected with MPDZ-related conditions. ClinVar contains an entry for this variant (Variation ID: 1055533). An algorithm developed to predict the effect of missense changes on protein structure and function outputs the following: PolyPhen-2: "Benign". The valine amino acid residue is found in multiple mammalian species, which suggests that this missense change does not adversely affect protein function. In summary, the available evidence is currently insufficient to determine the role of this variant in disease. Therefore, it has been classified as a Variant of Uncertain Significance.